The following is an entry in ClinVar:

NM_001429.4(EP300):c.6289C>G (p.Pro2097Ala)

Gene: EP300 (EP300 lysine acetyltransferase; plus strand). Cytogenetic location: 22q13.2.
Variant type: single nucleotide variant.
Coding change: c.6289C>G on transcript NM_001429.4 (MANE Select); coding-DNA position 6289, C replaced by G.
Protein change: p.Pro2097Ala; replaces proline 2097 with alanine.
Molecular consequence: missense variant.
Genome position (GRCh38, 1-based): chr22:41,178,000, C>G. VCF-style: chr22-41178000-C-G. GRCh37 (hg19) VCF-style: chr22-41574004-C-G.
Other names: c.6211C>G, p.Pro2071Ala (NM_001362843.2); short protein forms P2097A, P2071A.
Identifiers: ClinVar variation 134052 (VCV000134052.39), dbSNP rs200189212, ClinGen allele CA158514.

ClinVar aggregate classification (germline): Likely benign. Review status: criteria provided, multiple submitters, no conflicts (2 of 4 stars). 6 submissions from 6 submitters: Likely benign (4). 2 of the submissions do not count toward it. Last evaluated 2025-12-01.

Conditions:
EP300-related disorder. Also called: EP300-related disorders; EP300-related condition.
Inborn genetic diseases. Identifiers: MedGen C0950123, MeSH D030342.
Rubinstein-Taybi syndrome due to EP300 haploinsufficiency. Also called: RUBINSTEIN-TAYBI SYNDROME 2; EP300-Related Rubinstein-Taybi Syndrome. Identifiers: Orphanet 353284, Orphanet 783, MedGen C3150941, MONDO:0013364, OMIM 613684.

Allele frequency attached by ClinVar (database versions not stated): gnomAD exomes 0.00008 and 0.00013; TOPMed 0.00008; ExAC 0.00011; gnomAD 0.00014 and 0.00015; ESP Exome Variant Server 0.00023.
gnomAD v4.1: 202 of 1,614,102 alleles (0.013%); highest among the groups gnomAD compares: Non-Finnish European, 0.016%; no homozygotes.

Submissions (6):

CeGaT Center for Human Genetics Tuebingen
Classification: Likely benign. Last evaluated: 2025-12-01. Review status: criteria provided, single submitter. Criteria: CeGaT Center For Human Genetics Tuebingen Variant Classification Criteria Version 2. Collection method: clinical testing. Allele origin: germline. Affected: yes. Observed: 4 variant alleles.
Comment: EP300: BP4, BS2

Labcorp Genetics (formerly Invitae), Labcorp
Classification: Likely benign for Rubinstein-Taybi syndrome due to EP300 haploinsufficiency. Last evaluated: 2025-10-01. Review status: criteria provided, single submitter. Criteria: Invitae Variant Classification Sherloc (09022015). Collection method: clinical testing. Allele origin: germline.

Ambry Genetics
Classification: Likely benign for Inborn genetic diseases. Last evaluated: 2025-04-09. Review status: criteria provided, single submitter. Criteria: Ambry Variant Classification Scheme 2023. Collection method: clinical testing. Allele origin: germline.

GeneDx
Classification: Likely benign. Last evaluated: 2021-01-11. Review status: criteria provided, single submitter. Criteria: GeneDx Variant Classification Process June 2021. Collection method: clinical testing. Allele origin: germline. Affected: yes.

PreventionGenetics, part of Exact Sciences
Classification: Likely benign for EP300-related condition. Last evaluated: 2021-10-25. Review status: no assertion criteria provided. Collection method: clinical testing. Allele origin: germline. Not counted in ClinVar's aggregate classification.
Comment: This variant is classified as likely benign based on ACMG/AMP sequence variant interpretation guidelines (Richards et al. 2015 PMID: 25741868, with internal and published modifications).

ITMI
No classification provided. Condition: AllHighlyPenetrant. Last evaluated: 2013-09-19. Review status: no classification provided. Collection method: reference population. Allele origin: germline. Not counted in ClinVar's aggregate classification.
Comment: Please see associated publication for description of ethnicities

Literature cited by the submitters: PubMed 24728327 (cited by ITMI).